The following is an entry in ClinVar:

NM_001378615.1(CC2D2A):c.968C>T (p.Ala323Val)

Genes: CC2D2A (coiled-coil and C2 domain containing 2A; plus strand), FBXL5 (F-box and leucine rich repeat protein 5; minus strand). Cytogenetic location: 4p15.32.
Variant type: single nucleotide variant.
Coding change: c.968C>T on transcript NM_001378615.1 (MANE Select); coding-DNA position 968, C replaced by T.
Protein change: p.Ala323Val; replaces alanine 323 with valine.
Molecular consequence: missense variant.
Genome position (GRCh38, 1-based): chr4:15,515,955, C>T. VCF-style: chr4-15515955-C-T. GRCh37 (hg19) VCF-style: chr4-15517578-C-T.
Other names: c.968C>T, p.Ala323Val (NM_001080522.2); c.821C>T, p.Ala274Val (NM_001378617.1); short protein forms A274V, A323V.
Identifiers: ClinVar variation 1509389 (VCV001509389.8), dbSNP rs2109012891, ClinGen allele CA356409681.
Genomic context (GRCh38, chr4:15,515,955, plus strand): 5'-ATGTACAGCCCAGGTTCCTGGAAGATGAAGGCCTTTACACCGGGGTAAGACCAGAGGTGG[C>T]ACGCACCAATCAGAACATCATGGAGAACAGATTGCTGATGCAGGACCCCGTAAGTGTGCA-3'
Protein context (NP_001365544.1, residues 313-333): GLYTGVRPEV[Ala323Val]RTNQNIMENR

ClinVar aggregate classification (germline): Uncertain significance (1 of 4 stars; one submission).

Conditions:
Joubert syndrome. Also called: JOUBERT-BOLTSHAUSER SYNDROME; Familial aplasia of the vermis. Identifiers: Orphanet 475, MedGen C5979921, MONDO:0018772.
Meckel-Gruber syndrome. Also called: DYSENCEPHALIA SPLANCHNOCYSTICA; GRUBER SYNDROME; Dysencephalia splachnocystica. Identifiers: Orphanet 564, MedGen C0265215, MONDO:0018921.

Submission:

Labcorp Genetics (formerly Invitae), Labcorp
Classification: Uncertain significance for Joubert syndrome; Meckel-Gruber syndrome. Last evaluated: 2020-12-19. Review status: criteria provided, single submitter. Criteria: Invitae Variant Classification Sherloc (09022015). Collection method: clinical testing. Allele origin: germline.
Comment: In summary, the available evidence is currently insufficient to determine the role of this variant in disease. Therefore, it has been classified as a Variant of Uncertain Significance. Algorithms developed to predict the effect of sequence changes on RNA splicing suggest that this variant may create or strengthen a splice site, but this prediction has not been confirmed by published transcriptional studies. Advanced modeling of protein sequence and biophysical properties (such as structural, functional, and spatial information, amino acid conservation, physicochemical variation, residue mobility, and thermodynamic stability) performed at Invitae indicates that this missense variant is not expected to disrupt CC2D2A protein function. This variant has not been reported in the literature in individuals with CC2D2A-related conditions. This variant is not present in population databases (ExAC no frequency). This sequence change replaces alanine with valine at codon 323 of the CC2D2A protein (p.Ala323Val). The alanine residue is weakly conserved and there is a small physicochemical difference between alanine and valine.